The following is an entry in ClinVar:

ClinVar aggregate classification (germline): Uncertain significance. Review status: criteria provided, multiple submitters, no conflicts (2 of 4 stars). 2 submissions from 2 submitters: Uncertain significance (2). Last evaluated 2025-01-27.

Allele frequency attached by ClinVar (database versions not stated): TOPMed below 0.00001; gnomAD 0.00001.
gnomAD v4.1: 12 of 1,399,092 alleles (0.00086%); highest among the groups gnomAD compares: Non-Finnish European, 0.001%; no homozygotes.

Submissions (2):

Ambry Genetics
Classification: Uncertain significance. Last evaluated: 2025-01-27. Review status: criteria provided, single submitter. Criteria: Ambry Variant Classification Scheme 2023. Collection method: clinical testing. Allele origin: germline.

Labcorp Genetics (formerly Invitae), Labcorp
Classification: Uncertain significance. Last evaluated: 2024-12-09. Review status: criteria provided, single submitter. Criteria: Invitae Variant Classification Sherloc (09022015). Collection method: clinical testing. Allele origin: germline.
Comment: This sequence change replaces arginine, which is basic and polar, with glutamine, which is neutral and polar, at codon 781 of the SYNPO protein (p.Arg781Gln). This variant is present in population databases (no rsID available, gnomAD 0.007%). This variant has not been reported in the literature in individuals affected with SYNPO-related conditions. ClinVar contains an entry for this variant (Variation ID: 2469779). An algorithm developed to predict the effect of missense changes on protein structure and function (PolyPhen-2) suggests that this variant is likely to be disruptive. In summary, the available evidence is currently insufficient to determine the role of this variant in disease. Therefore, it has been classified as a Variant of Uncertain Significance.

NM_007286.6(SYNPO):c.2342G>A (p.Arg781Gln)

Gene: SYNPO (synaptopodin; plus strand). Cytogenetic location: 5q33.1.
Variant type: single nucleotide variant.
Coding change: c.2342G>A on transcript NM_007286.6 (MANE Select); coding-DNA position 2342, G replaced by A.
Protein change: p.Arg781Gln; replaces arginine 781 with glutamine.
Molecular consequence: missense variant.
Genome position (GRCh38, 1-based): chr5:150,656,717, G>A. VCF-style: chr5-150656717-G-A. GRCh37 (hg19) VCF-style: chr5-150036279-G-A.
Other names: short protein forms R781Q.
Identifiers: ClinVar variation 2469779 (VCV002469779.5), dbSNP rs1338935538, ClinGen allele CA361770969.